The following is an entry in ClinVar:

NM_031935.3(HMCN1):c.7546_7547delinsAT (p.Asp2516Ile)

Gene: HMCN1 (hemicentin 1; plus strand). Cytogenetic location: 1q31.1.
Variant type: Indel.
Coding change: c.7546_7547delinsAT on transcript NM_031935.3 (MANE Select); coding-DNA positions 7546 to 7547, GA replaced by AT.
Protein change: p.Asp2516Ile; replaces aspartic acid 2516 with isoleucine.
Molecular consequence: missense variant.
Genome position (GRCh38, 1-based): chr1:186,065,270-186,065,271, GA replaced by AT. VCF-style: chr1-186065270-GA-AT. GRCh37 (hg19) VCF-style: chr1-186034402-GA-AT.
Other names: short protein forms D2516I.
Identifiers: ClinVar variation 1414509 (VCV001414509.6), dbSNP rs2102325370, ClinGen allele CA2573131420.

ClinVar aggregate classification (germline): Uncertain significance (1 of 4 stars; one submission).

Submission:

Labcorp Genetics (formerly Invitae), Labcorp
Classification: Uncertain significance. Last evaluated: 2024-04-18. Review status: criteria provided, single submitter. Criteria: Invitae Variant Classification Sherloc (09022015). Collection method: clinical testing. Allele origin: germline.
Comment: This sequence change replaces aspartic acid, which is acidic and polar, with isoleucine, which is neutral and non-polar, at codon 2516 of the HMCN1 protein (p.Asp2516Ile). This variant is present in population databases (no rsID available, gnomAD 0.0004%). This variant has not been reported in the literature in individuals affected with HMCN1-related conditions. ClinVar contains an entry for this variant (Variation ID: 1414509). An algorithm developed to predict the effect of missense changes on protein structure and function (PolyPhen-2) suggests that this variant is likely to be disruptive. In summary, the available evidence is currently insufficient to determine the role of this variant in disease. Therefore, it has been classified as a Variant of Uncertain Significance.